The following is an entry in ClinVar:

ClinVar aggregate classification (germline): Uncertain significance. Review status: criteria provided, multiple submitters, no conflicts (2 of 4 stars). 2 submissions from 2 submitters: Uncertain significance (2). Last evaluated 2022-02-18.

Conditions:
Familial hypocalciuric hypercalcemia (FHH). Also called: Familial benign hypercalcemia. Identifiers: Orphanet 405, MedGen C1809471, MONDO:0018458.
Autosomal dominant hypocalcemia 1 (HYPOC1). Also called: HYPOCALCEMIA, FAMILIAL. Identifiers: MedGen C3715128, MONDO:0011013, OMIM 601198.

Submissions (2):

Labcorp Genetics (formerly Invitae), Labcorp
Classification: Uncertain significance for Familial hypocalciuric hypercalcemia; Autosomal dominant hypocalcemia 1. Last evaluated: 2022-02-18. Review status: criteria provided, single submitter. Criteria: Invitae Variant Classification Sherloc (09022015). Collection method: clinical testing. Allele origin: germline.
Comment: In summary, the available evidence is currently insufficient to determine the role of this variant in disease. Therefore, it has been classified as a Variant of Uncertain Significance. Experimental studies have shown that this missense change affects CASR function (PMID: 31063613). Algorithms developed to predict the effect of missense changes on protein structure and function are either unavailable or do not agree on the potential impact of this missense change (SIFT: "Deleterious"; PolyPhen-2: "Possibly Damaging"; Align-GVGD: "Class C0"). ClinVar contains an entry for this variant (Variation ID: 446993). This missense change has been observed in individuals with hypocalcemia and/or hypoparathyroidism (PMID: 19549694, 24948345, 31063613; Invitae). This variant is not present in population databases (gnomAD no frequency). This sequence change replaces alanine, which is neutral and non-polar, with valine, which is neutral and non-polar, at codon 840 of the CASR protein (p.Ala840Val).

Athena Diagnostics
Classification: Uncertain significance. Last evaluated: 2016-11-29. Review status: criteria provided, single submitter. Criteria: Athena Diagnostics Criteria. Collection method: clinical testing. Allele origin: germline.

Literature cited by the submitters: PubMed 31063613 (cited by Labcorp Genetics (formerly Invitae), Labcorp); PubMed 19549694 (cited by Labcorp Genetics (formerly Invitae), Labcorp and Athena Diagnostics); PubMed 24948345 (cited by Labcorp Genetics (formerly Invitae), Labcorp and Athena Diagnostics).

NM_000388.4(CASR):c.2519C>T (p.Ala840Val)

Gene: CASR (calcium sensing receptor; plus strand). Cytogenetic location: 3q21.1.
Variant type: single nucleotide variant.
Coding change: c.2519C>T on transcript NM_000388.4 (MANE Select); coding-DNA position 2519, C replaced by T.
Protein change: p.Ala840Val; replaces alanine 840 with valine.
Molecular consequence: missense variant.
Genome position (GRCh38, 1-based): chr3:122,284,473, C>T. VCF-style: chr3-122284473-C-T. GRCh37 (hg19) VCF-style: chr3-122003320-C-T.
Other names: c.2549C>T, p.Ala850Val (NM_001178065.2); short protein forms A840V, A850V.
Identifiers: ClinVar variation 446993 (VCV000446993.6), dbSNP rs1553769127, ClinGen allele CA354160143.